The following is an entry in ClinVar:

ClinVar aggregate classification (germline): Benign/Likely benign. Review status: criteria provided, multiple submitters, no conflicts (2 of 4 stars). 7 submissions from 7 submitters: Benign (4); Likely benign (2). 1 of the submissions does not count toward it. Last evaluated 2026-04-01.

Conditions:
ANO3-related disorder. Also called: ANO3-related condition.
Dystonic disorder. Also called: Dystonia. Identifiers: MedGen C0013421, MONDO:0003441, HP:0001332.
Dystonia 24 (DYT24). Also called: DYT-ANO3. Identifiers: Orphanet 420485, MedGen C3554374, MONDO:0014019, OMIM 615034.

Allele frequency attached by ClinVar (database versions not stated): 1000 Genomes Project 0.00100; 1000 Genomes Project 30x 0.00109; ESP Exome Variant Server 0.00123; TOPMed 0.00129; gnomAD 0.00137; ExAC 0.00153; gnomAD exomes 0.00155 and 0.00193.
gnomAD v4.1: 3,011 of 1,613,518 alleles (0.19%); highest among the groups gnomAD compares: Middle Eastern, 0.3%; 8 homozygotes.

Submissions (7):

CeGaT Center for Human Genetics Tuebingen
Classification: Likely benign. Last evaluated: 2026-04-01. Review status: criteria provided, single submitter. Criteria: CeGaT Center For Human Genetics Tuebingen Variant Classification Criteria Version 2. Collection method: clinical testing. Allele origin: germline. Affected: yes. Observed: 7 variant alleles.
Comment: ANO3: BP4, BP7

Labcorp Genetics (formerly Invitae), Labcorp
Classification: Benign for Dystonic disorder. Last evaluated: 2026-01-18. Review status: criteria provided, single submitter. Criteria: Invitae Variant Classification Sherloc (09022015). Collection method: clinical testing. Allele origin: germline.

Mayo Clinic Laboratories, Mayo Clinic
Classification: Benign. Last evaluated: 2025-03-19. Review status: criteria provided, single submitter. Criteria: ACMG Guidelines, 2015. Collection method: clinical testing. Allele origin: germline. Observed: 1 variant allele.
Comment: BS1, BS2, BP4, BP7

Blueprint Genetics
Classification: Likely benign. Last evaluated: 2024-11-25. Review status: criteria provided, single submitter. Criteria: ACMG Guidelines, 2015. Collection method: clinical testing. Allele origin: germline.

Genome-Nilou Lab
Classification: Benign for Dystonia 24. Last evaluated: 2021-12-05. Review status: criteria provided, single submitter. Criteria: ACMG Guidelines, 2015. Collection method: clinical testing. Allele origin: germline. Affected: no.

GeneDx
Classification: Benign. Last evaluated: 2020-03-04. Review status: criteria provided, single submitter. Criteria: GeneDx Variant Classification Process June 2021. Collection method: clinical testing. Allele origin: germline. Affected: yes.

PreventionGenetics, part of Exact Sciences
Classification: Likely benign for ANO3-related condition. Last evaluated: 2020-02-26. Review status: no assertion criteria provided. Collection method: clinical testing. Allele origin: germline. Not counted in ClinVar's aggregate classification.
Comment: This variant is classified as likely benign based on ACMG/AMP sequence variant interpretation guidelines (Richards et al. 2015 PMID: 25741868, with internal and published modifications).

NM_031418.4(ANO3):c.2817A>G (p.Pro939=)

Gene: ANO3 (anoctamin 3; plus strand). Cytogenetic location: 11p14.2.
Variant type: single nucleotide variant.
Coding change: c.2817A>G on transcript NM_031418.4 (MANE Select); coding-DNA position 2817, A replaced by G.
Protein change: p.Pro939=; no amino-acid change (proline 939 retained).
Molecular consequence: synonymous variant.
Genome position (GRCh38, 1-based): chr11:26,660,315, A>G. VCF-style: chr11-26660315-A-G. GRCh37 (hg19) VCF-style: chr11-26681862-A-G.
Other names: p.Pro939=; c.3000A>G, p.Pro1000= (NM_001313726.2); c.2379A>G, p.Pro793= (NM_001313727.2); c.2817A>G (NM_031418.3).
Identifiers: ClinVar variation 412871 (VCV000412871.45), dbSNP rs150506041, ClinGen allele CA5926624.